The following is an entry in ClinVar:

NM_004974.4(KCNA2):c.1204A>G (p.Ile402Val)

Gene: KCNA2 (potassium voltage-gated channel subfamily A member 2; minus strand). Cytogenetic location: 1p13.3.
Variant type: single nucleotide variant.
Coding change: c.1204A>G on transcript NM_004974.4 (MANE Select); coding-DNA position 1204, A replaced by G.
Protein change: p.Ile402Val; replaces isoleucine 402 with valine.
Molecular consequence: missense variant. On other transcripts: intron variant (1).
Genome position (GRCh38, 1-based): chr1:110,603,579, T>C on the plus strand (A>G on the coding strand, the complement: KCNA2 is on the minus strand). VCF-style: chr1-110603579-T-C. GRCh37 (hg19) VCF-style: chr1-111146201-T-C.
Other names: c.894+310A>G (NM_001204269.2); c.1204A>G (NM_004974.3); short protein forms I402V.
Identifiers: ClinVar variation 1374464 (VCV001374464.8), dbSNP rs1366237350, ClinGen allele CA341601345.
Genomic context (GRCh38, chr1:110,603,579, plus strand): 5'-CTGTCTCCCGGTGGTAGAAGTAGTTGAAATTGGACACAATGACAGGGACCGGTAAGGCAA[T>C]AGTTAACACACCTGCAATCGCACATAGGGAACCCACTATCTTTCCCCCAATGGTAGTCGG-3'
Protein context (NP_004965.1, residues 392-412): SLCAIAGVLT[Ile402Val]ALPVPVIVSN

ClinVar aggregate classification (germline): Uncertain significance. Review status: criteria provided, multiple submitters, no conflicts (2 of 4 stars). 3 submissions from 3 submitters: Uncertain significance (3). Last evaluated 2026-02-06.

Conditions:
Inborn genetic diseases. Identifiers: MedGen C0950123, MeSH D030342.
Developmental and epileptic encephalopathy, 32 (DEE32). Also called: Epileptic encephalopathy, early infantile, 32. Identifiers: Orphanet 442835, MedGen C4225350, MONDO:0014607, OMIM 616366.

Submissions (3):

GeneDx
Classification: Uncertain significance. Last evaluated: 2026-02-06. Review status: criteria provided, single submitter. Criteria: GeneDx Variant Classification Process June 2021. Collection method: clinical testing. Allele origin: germline.
Comment: Not observed at significant frequency in large population cohorts (gnomAD); In silico analysis suggests that this missense variant does not alter protein structure/function; Has not been previously published as pathogenic or benign to our knowledge

Labcorp Genetics (formerly Invitae), Labcorp
Classification: Uncertain significance for Developmental and epileptic encephalopathy, 32. Last evaluated: 2023-12-23. Review status: criteria provided, single submitter. Criteria: Invitae Variant Classification Sherloc (09022015). Collection method: clinical testing. Allele origin: germline.
Comment: This sequence change replaces isoleucine, which is neutral and non-polar, with valine, which is neutral and non-polar, at codon 402 of the KCNA2 protein (p.Ile402Val). This variant is not present in population databases (gnomAD no frequency). This variant has not been reported in the literature in individuals affected with KCNA2-related conditions. ClinVar contains an entry for this variant (Variation ID: 1374464). Advanced modeling of protein sequence and biophysical properties (such as structural, functional, and spatial information, amino acid conservation, physicochemical variation, residue mobility, and thermodynamic stability) performed at Invitae indicates that this missense variant is not expected to disrupt KCNA2 protein function with a negative predictive value of 80%. In summary, the available evidence is currently insufficient to determine the role of this variant in disease. Therefore, it has been classified as a Variant of Uncertain Significance.

Ambry Genetics
Classification: Uncertain significance for Inborn genetic diseases. Last evaluated: 2023-12-22. Review status: criteria provided, single submitter. Criteria: Ambry Variant Classification Scheme 2023. Collection method: clinical testing. Allele origin: germline.
Comment: The c.1204A>G (p.I402V) alteration is located in exon 3 (coding exon 1) of the KCNA2 gene. This alteration results from an A to G substitution at nucleotide position 1204, causing the isoleucine (I) at amino acid position 402 to be replaced by a valine (V). This variant was not reported in population-based cohorts in the Genome Aggregation Database (gnomAD). This amino acid position is highly conserved in available vertebrate species. This missense alteration is located in a region that has a low rate of benign missense variation (Lek, 2016; Firth, 2009). This alteration is predicted to be deleterious by in silico analysis. Based on insufficient or conflicting evidence, the clinical significance of this alteration remains unclear.